The following is an entry in ClinVar:

ClinVar aggregate classification (germline): Uncertain significance (1 of 4 stars; one submission).

Conditions:
Familial focal epilepsy with variable foci (FPEVF). Identifiers: Orphanet 98820, MedGen C1858477, MONDO:0020310.

Submission:

Labcorp Genetics (formerly Invitae), Labcorp
Classification: Uncertain significance for Familial focal epilepsy with variable foci. Last evaluated: 2020-08-27. Review status: criteria provided, single submitter. Criteria: Invitae Variant Classification Sherloc (09022015). Collection method: clinical testing. Allele origin: germline.
Comment: In summary, the available evidence is currently insufficient to determine the role of this variant in disease. Therefore, it has been classified as a Variant of Uncertain Significance. Experimental studies and prediction algorithms are not available or were not evaluated, and the functional significance of this variant is currently unknown. This variant has not been reported in the literature in individuals with DEPDC5-related conditions. This variant is not present in population databases (ExAC no frequency). This variant, c.11_13del, results in the deletion of 1 amino acid(s) of the DEPDC5 protein (p.Thr4del), but otherwise preserves the integrity of the reading frame.

NM_001242896.3(DEPDC5):c.8CAA[1] (p.Thr4del)

Gene: DEPDC5 (DEP domain containing 5, GATOR1 subcomplex subunit; plus strand). Cytogenetic location: 22q12.2.
Variant type: Microsatellite.
Coding change: c.8CAA[1] on transcript NM_001242896.3 (MANE Select); one copy of the 3-base unit CAA starting at c.8; the reference has two copies in a row; one copy, 3 bases deleted.
Protein change: p.Thr4del; deletes threonine 4.
Molecular consequence: inframe deletion. On other transcripts: non-coding transcript variant (5).
Genome position (GRCh38, 1-based): chr22:31,754,932-31,754,934, CAA deleted; deleting any 3 consecutive bases within chr22:31,754,927-31,754,934 gives the same sequence; the position shown is the placement nearest the transcript's 3' end. VCF-style (leftmost placement, unchanged base first): chr22-31754926-GAAC-G. GRCh37 (hg19) VCF-style: chr22-32150912-GAAC-G.
Other names: c.8CAA[1], p.Thr4del (NM_001007188.4, NM_001136029.4, NM_001242897.2 and 9 more transcripts); short protein forms T4del.
Identifiers: ClinVar variation 1023573 (VCV001023573.7), dbSNP rs2075190242, ClinGen allele CA2401645209.